The following is an entry in ClinVar:

ClinVar aggregate classification (germline): Uncertain significance (1 of 4 stars; one submission).

gnomAD v4.1: 6 of 1,611,746 alleles (0.00037%); highest among the groups gnomAD compares: Non-Finnish European, 0.00051%; no homozygotes.

Submission:

Labcorp Genetics (formerly Invitae), Labcorp
Classification: Uncertain significance. Last evaluated: 2022-05-06. Review status: criteria provided, single submitter. Criteria: Invitae Variant Classification Sherloc (09022015). Collection method: clinical testing. Allele origin: germline.
Comment: This sequence change replaces valine, which is neutral and non-polar, with glycine, which is neutral and non-polar, at codon 13 of the COL9A1 protein (p.Val13Gly). This variant is present in population databases (rs140274454, gnomAD 0.0009%). This variant has not been reported in the literature in individuals affected with COL9A1-related conditions. Advanced modeling of protein sequence and biophysical properties (such as structural, functional, and spatial information, amino acid conservation, physicochemical variation, residue mobility, and thermodynamic stability) performed at Invitae indicates that this missense variant is not expected to disrupt COL9A1 protein function. In summary, the available evidence is currently insufficient to determine the role of this variant in disease. Therefore, it has been classified as a Variant of Uncertain Significance.

NM_001851.6(COL9A1):c.38T>G (p.Val13Gly)

Gene: COL9A1 (collagen type IX alpha 1 chain; minus strand). Cytogenetic location: 6q13.
Variant type: single nucleotide variant.
Coding change: c.38T>G on transcript NM_001851.6 (MANE Select); coding-DNA position 38, T replaced by G.
Protein change: p.Val13Gly; replaces valine 13 with glycine.
Molecular consequence: missense variant.
Genome position (GRCh38, 1-based): chr6:70,302,051, A>C on the plus strand (T>G on the coding strand, the complement: COL9A1 is on the minus strand). VCF-style: chr6-70302051-A-C. GRCh37 (hg19) VCF-style: chr6-71011754-A-C.
Other names: c.38T>G, p.Val13Gly (NM_001377291.1); short protein forms V13G.
Identifiers: ClinVar variation 1927803 (VCV001927803.2), dbSNP rs140274454, ClinGen allele CA3882958.
Genomic context (GRCh38, chr6:70,302,051, plus strand): 5'-TGGCCCTTACTGGGGCGACGCTTGACAGCTGCAGATGCCCAGGGTTCCAGGAAACTGCAC[A>C]CAAAGAAGAAAACTGGAATTTTCCTGAAGAAGAGAGAAGAAAAATGACTGAAACAGGAGT-3'
Protein context (NP_001842.3, residues 3-23): TCWKIPVFFF[Val13Gly]CSFLEPWASA